The following is an entry in ClinVar:

NM_000548.5(TSC2):c.2057A>C (p.Tyr686Ser)

Gene: TSC2 (TSC complex subunit 2; plus strand). Cytogenetic location: 16p13.3.
Variant type: single nucleotide variant.
Coding change: c.2057A>C on transcript NM_000548.5 (MANE Select); coding-DNA position 2057, A replaced by C.
Protein change: p.Tyr686Ser; replaces tyrosine 686 with serine.
Molecular consequence: missense variant.
Genome position (GRCh38, 1-based): chr16:2,071,894, A>C. VCF-style: chr16-2071894-A-C. GRCh37 (hg19) VCF-style: chr16-2121895-A-C.
Other names: c.2057A>C, p.Tyr686Ser (NM_001406665.1, NM_001077183.3, NM_001114382.3 and 6 more transcripts); c.2147A>C, p.Tyr716Ser (NM_001406667.1, NM_001406668.1); c.1946A>C, p.Tyr649Ser (NM_001406670.1, NM_001406678.1, NM_001318827.2); c.2045A>C, p.Tyr682Ser (NM_001406671.1, NM_001406673.1); c.1910A>C, p.Tyr637Ser (NM_001406675.1, NM_001406676.1, NM_001318829.2 and 1 more transcripts); c.2000A>C, p.Tyr667Ser (NM_001406677.1); c.1457A>C, p.Tyr486Ser (NM_001318831.2, NM_001406680.1, NM_001406682.1 and 6 more transcripts); c.2090A>C, p.Tyr697Ser (NM_001318832.2); and 3 more; short protein forms Y637S, Y697S, Y532S, Y649S, Y667S, Y152S, Y238S, Y486S.
Identifiers: ClinVar variation 2041925 (VCV002041925.5), dbSNP rs2151307563, ClinGen allele CA394274621.

ClinVar aggregate classification (germline): Uncertain significance. Review status: criteria provided, multiple submitters, no conflicts (2 of 4 stars). 2 submissions from 2 submitters: Uncertain significance (2). Last evaluated 2024-10-12.

Conditions:
Tuberous sclerosis 2 (TSC2). Identifiers: Orphanet 805, MedGen C1860707, MONDO:0013199, OMIM 613254.
Hereditary cancer-predisposing syndrome. Also called: Hereditary Cancer Syndrome; Tumor predisposition; Neoplastic Syndromes, Hereditary; Hereditary neoplastic syndrome. Identifiers: Orphanet 140162, MedGen C0027672, MeSH D009386, MONDO:0015356.

Submissions (2):

Ambry Genetics
Classification: Uncertain significance for Hereditary cancer-predisposing syndrome. Last evaluated: 2024-10-12. Review status: criteria provided, single submitter. Criteria: Ambry Variant Classification Scheme 2023. Collection method: clinical testing. Allele origin: germline.
Comment: The p.Y686S variant (also known as c.2057A>C), located in coding exon 18 of the TSC2 gene, results from an A to C substitution at nucleotide position 2057. The tyrosine at codon 686 is replaced by serine, an amino acid with dissimilar properties. This amino acid position is conserved. In addition, this alteration is predicted to be deleterious by in silico analysis. Based on the available evidence, the clinical significance of this variant remains unclear.

Labcorp Genetics (formerly Invitae), Labcorp
Classification: Uncertain significance for Tuberous sclerosis 2. Last evaluated: 2024-09-27. Review status: criteria provided, single submitter. Criteria: Invitae Variant Classification Sherloc (09022015). Collection method: clinical testing. Allele origin: germline.
Comment: This sequence change replaces tyrosine, which is neutral and polar, with serine, which is neutral and polar, at codon 686 of the TSC2 protein (p.Tyr686Ser). This variant is not present in population databases (gnomAD no frequency). This variant has not been reported in the literature in individuals affected with TSC2-related conditions. ClinVar contains an entry for this variant (Variation ID: 2041925). Invitae Evidence Modeling of protein sequence and biophysical properties (such as structural, functional, and spatial information, amino acid conservation, physicochemical variation, residue mobility, and thermodynamic stability) indicates that this missense variant is not expected to disrupt TSC2 protein function with a negative predictive value of 95%. In summary, the available evidence is currently insufficient to determine the role of this variant in disease. Therefore, it has been classified as a Variant of Uncertain Significance.